The following is an entry in ClinVar:

ClinVar aggregate classification (germline): Benign/Likely benign. Review status: criteria provided, multiple submitters, no conflicts (2 of 4 stars). 7 submissions from 7 submitters: Benign (4); Likely benign (1). 2 of the submissions do not count toward it. Last evaluated 2024-11-28.

Allele frequency attached by ClinVar (database versions not stated): gnomAD 0.00711 and 0.00712; gnomAD exomes 0.00854 and 0.01257; TOPMed 0.00870; ExAC 0.01597; 1000 Genomes Project 30x 0.00812; 1000 Genomes Project 0.00819.
gnomAD v4.1: 12,911 of 1,535,954 alleles (0.84%); highest among the groups gnomAD compares: Admixed American, 2.8%; 114 homozygotes.

Submissions (7):

Blueprint Genetics
Classification: Likely benign. Last evaluated: 2024-11-28. Review status: criteria provided, single submitter. Criteria: ACMG Guidelines, 2015. Collection method: clinical testing. Allele origin: germline.

Athena Diagnostics
Classification: Benign. Last evaluated: 2023-12-13. Review status: criteria provided, single submitter. Criteria: Athena Diagnostics Criteria. Collection method: clinical testing. Allele origin: unknown.

GeneDx
Classification: Benign. Last evaluated: 2016-01-14. Review status: criteria provided, single submitter. Criteria: GeneDx Variant Classification (06012015). Collection method: clinical testing. Allele origin: germline. Affected: yes.
Comment: This variant is considered likely benign or benign based on one or more of the following criteria: it is a conservative change, it occurs at a poorly conserved position in the protein, it is predicted to be benign by multiple in silico algorithms, and/or has population frequency not consistent with disease.

Breakthrough Genomics
Classification: Benign. Review status: criteria provided, single submitter. Criteria: ACMG Guidelines, 2015. Collection method: not provided. Allele origin: germline. Inheritance: Autosomal dominant inheritance. Affected: yes.

PreventionGenetics, part of Exact Sciences
Classification: Benign. Review status: criteria provided, single submitter. Criteria: ACMG Guidelines, 2015. Collection method: clinical testing. Allele origin: germline.

Genome Diagnostics Laboratory, University Medical Center Utrecht
Classification: Likely benign. Review status: no assertion criteria provided. Collection method: clinical testing. Allele origin: germline. Affected: yes. Study: VKGL Data-share Consensus. Not counted in ClinVar's aggregate classification.

Laboratory of Diagnostic Genome Analysis, Leiden University Medical Center (LUMC)
Classification: Likely benign. Review status: no assertion criteria provided. Collection method: clinical testing. Allele origin: germline. Affected: yes. Study: VKGL Data-share Consensus. Not counted in ClinVar's aggregate classification.

NM_001127222.2(CACNA1A):c.7431C>T (p.Tyr2477=)

Gene: CACNA1A (calcium voltage-gated channel subunit alpha1 A; minus strand). Cytogenetic location: 19p13.13.
Variant type: single nucleotide variant.
Coding change: c.7431C>T on transcript NM_001127222.2 (MANE Select); coding-DNA position 7431, C replaced by T.
Protein change: p.Tyr2477=; no amino-acid change (tyrosine 2477 retained).
Molecular consequence: synonymous variant. On other transcripts: 3 prime UTR variant (3).
Genome position (GRCh38, 1-based): chr19:13,207,403, G>A on the plus strand (C>T on the coding strand, the complement: CACNA1A is on the minus strand). VCF-style: chr19-13207403-G-A. GRCh37 (hg19) VCF-style: chr19-13318217-G-A.
Other names: c.*643C>T (NM_000068.4, NM_001127221.2, NM_001174080.2); c.7449C>T, p.Tyr2483= (NM_023035.3).
Identifiers: ClinVar variation 257513 (VCV000257513.7), dbSNP rs16059, ClinGen allele CA9239168.